The following is an entry in ClinVar:

NM_000843.4(GRM6):c.1748C>T (p.Ser583Phe)

Genes: GRM6 (glutamate metabotropic receptor 6; minus strand), ZNF454 (zinc finger protein 454; plus strand). Cytogenetic location: 5q35.3.
Variant type: single nucleotide variant.
Coding change: c.1748C>T on transcript NM_000843.4 (MANE Select); coding-DNA position 1748, C replaced by T.
Protein change: p.Ser583Phe; replaces serine 583 with phenylalanine.
Molecular consequence: missense variant.
Genome position (GRCh38, 1-based): chr5:178,986,506, G>A on the plus strand (C>T on the coding strand, the complement: GRM6 is on the minus strand). VCF-style: chr5-178986506-G-A. GRCh37 (hg19) VCF-style: chr5-178413507-G-A.
Other names: short protein forms S583F.
Identifiers: ClinVar variation 99633 (VCV000099633.7), dbSNP rs62638211, ClinGen allele CA227653.

ClinVar aggregate classification (germline): Uncertain significance. Review status: criteria provided, multiple submitters, no conflicts (2 of 4 stars). 3 submissions from 3 submitters: Uncertain significance (2). 1 of the submissions does not count toward it. Last evaluated 2024-10-08.

Allele frequency attached by ClinVar (database versions not stated): gnomAD 0.00002; TOPMed 0.00002.
gnomAD v4.1: 41 of 1,609,584 alleles (0.0025%); highest among the groups gnomAD compares: Middle Eastern, 0.033%; no homozygotes.

Submissions (3):

Blueprint Genetics
Classification: Uncertain significance. Last evaluated: 2024-10-08. Review status: criteria provided, single submitter. Criteria: ACMG Guidelines, 2015. Collection method: clinical testing. Allele origin: germline.

Labcorp Genetics (formerly Invitae), Labcorp
Classification: Uncertain significance. Last evaluated: 2022-09-01. Review status: criteria provided, single submitter. Criteria: Invitae Variant Classification Sherloc (09022015). Collection method: clinical testing. Allele origin: germline.
Comment: This sequence change replaces serine, which is neutral and polar, with phenylalanine, which is neutral and non-polar, at codon 583 of the GRM6 protein (p.Ser583Phe). This variant is present in population databases (rs62638211, gnomAD 0.02%). This variant has not been reported in the literature in individuals affected with GRM6-related conditions. ClinVar contains an entry for this variant (Variation ID: 99633). Algorithms developed to predict the effect of missense changes on protein structure and function (SIFT, PolyPhen-2, Align-GVGD) all suggest that this variant is likely to be disruptive. In summary, the available evidence is currently insufficient to determine the role of this variant in disease. Therefore, it has been classified as a Variant of Uncertain Significance.

Retina International
No classification provided. Review status: no classification provided. Collection method: not provided. Allele origin: not provided. Not counted in ClinVar's aggregate classification.